The following is an entry in ClinVar:

NM_016495.6(TBC1D7):c.467G>A (p.Arg156Gln)

Genes: TBC1D7 (TBC1 domain family member 7; minus strand), TBC1D7-LOC100130357 (TBC1D7-LOC100130357 readthrough; minus strand). Cytogenetic location: 6p24.1.
Variant type: single nucleotide variant.
Coding change: c.467G>A on transcript NM_016495.6 (MANE Select); coding-DNA position 467, G replaced by A.
Protein change: p.Arg156Gln; replaces arginine 156 with glutamine.
Molecular consequence: missense variant. On other transcripts: non-coding transcript variant (1), intron variant (1).
Genome position (GRCh38, 1-based): chr6:13,316,623, C>T on the plus strand (G>A on the coding strand, the complement: TBC1D7 is on the minus strand). VCF-style: chr6-13316623-C-T. GRCh37 (hg19) VCF-style: chr6-13316855-C-T.
Other names: c.467G>A, p.Arg156Gln (NM_001318809.2, NM_001143964.4, NM_001143965.4 and 1 more transcripts); c.386G>A, p.Arg129Gln (NM_001143966.4); c.381+4285G>A (NM_001258457.3); c.467G>A (NM_016495.4); short protein forms R129Q, R156Q.
Identifiers: ClinVar variation 1708894 (VCV001708894.26), dbSNP rs549062038, ClinGen allele CA3639738.

ClinVar aggregate classification (germline): Conflicting classifications of pathogenicity. Review status: criteria provided, conflicting classifications (1 of 4 stars). 3 submissions from 3 submitters: Uncertain significance (2); Likely benign (1). Last evaluated 2025-05-17.

Allele frequency attached by ClinVar (database versions not stated): ExAC 0.00002; gnomAD 0.00003; gnomAD exomes 0.00004; TOPMed 0.00005.
gnomAD v4.1: 63 of 1,613,762 alleles (0.0039%); highest among the groups gnomAD compares: Admixed American, 0.01%; no homozygotes.

Submissions (3):

Ambry Genetics
Classification: Uncertain significance. Last evaluated: 2025-05-17. Review status: criteria provided, single submitter. Criteria: Ambry Variant Classification Scheme 2023. Collection method: clinical testing. Allele origin: germline.

CeGaT Center for Human Genetics Tuebingen
Classification: Likely benign. Last evaluated: 2023-01-01. Review status: criteria provided, single submitter. Criteria: CeGaT Center For Human Genetics Tuebingen Variant Classification Criteria Version 2. Collection method: clinical testing. Allele origin: germline. Affected: yes. Observed: 1 variant allele.
Comment: TBC1D7: BP4

GeneDx
Classification: Uncertain significance. Last evaluated: 2022-04-06. Review status: criteria provided, single submitter. Criteria: GeneDx Variant Classification Process June 2021. Collection method: clinical testing. Allele origin: germline. Affected: yes.
Comment: Not observed at significant frequency in large population cohorts (gnomAD); In silico analysis supports that this missense variant does not alter protein structure/function; Has not been previously published as pathogenic or benign to our knowledge